The following is an entry in ClinVar:

NM_182914.3(SYNE2):c.3275C>T (p.Ala1092Val)

Gene: SYNE2 (spectrin repeat containing nuclear envelope protein 2; plus strand). Cytogenetic location: 14q23.2.
Variant type: single nucleotide variant.
Coding change: c.3275C>T on transcript NM_182914.3 (MANE Select); coding-DNA position 3275, C replaced by T.
Protein change: p.Ala1092Val; replaces alanine 1092 with valine.
Molecular consequence: missense variant.
Genome position (GRCh38, 1-based): chr14:63,998,250, C>T. VCF-style: chr14-63998250-C-T. GRCh37 (hg19) VCF-style: chr14-64464968-C-T.
Other names: c.3275C>T, p.Ala1092Val (NM_015180.6); short protein forms A1092V.
Identifiers: ClinVar variation 538338 (VCV000538338.8), dbSNP rs1555421275, ClinGen allele CA389989660.
Genomic context (GRCh38, chr14:63,998,250, plus strand): 5'-TTCGTTTACTATTTTGCATATTCCCTTAGGCAATGGAACCCACTATGAAGTTTAGCCTGG[C>T]ATCAGTGTTAAGGCCTCTGCAAGAAGAAAGCATTATGGAAAAGGATTACAGTGCATCTAT-3'
Protein context (NP_878918.2, residues 1082-1102): AMEPTMKFSL[Ala1092Val]SVLRPLQEES

ClinVar aggregate classification (germline): Uncertain significance (1 of 4 stars; one submission).

Conditions:
Emery-Dreifuss muscular dystrophy 5, autosomal dominant (EDMD5). Also called: EMERY-DREIFUSS MUSCULAR DYSTROPHY 5. Identifiers: Orphanet 261, MedGen C2751805, MONDO:0013072, OMIM 612999.

Allele frequency attached by ClinVar (database versions not stated): gnomAD exomes below 0.00001.
gnomAD v4.1: 1 of 1,613,906 alleles (0.000062%); no homozygotes.

Submission:

Labcorp Genetics (formerly Invitae), Labcorp
Classification: Uncertain significance for Emery-Dreifuss muscular dystrophy 5, autosomal dominant. Last evaluated: 2023-10-03. Review status: criteria provided, single submitter. Criteria: Invitae Variant Classification Sherloc (09022015). Collection method: clinical testing. Allele origin: germline.
Comment: This sequence change replaces alanine, which is neutral and non-polar, with valine, which is neutral and non-polar, at codon 1092 of the SYNE2 protein (p.Ala1092Val). This variant is not present in population databases (gnomAD no frequency). This variant has not been reported in the literature in individuals affected with SYNE2-related conditions. ClinVar contains an entry for this variant (Variation ID: 538338). An algorithm developed to predict the effect of missense changes on protein structure and function (PolyPhen-2) suggests that this variant is likely to be tolerated. In summary, the available evidence is currently insufficient to determine the role of this variant in disease. Therefore, it has been classified as a Variant of Uncertain Significance.